The following is an entry in ClinVar:

ClinVar aggregate classification (germline): Benign. Review status: criteria provided, multiple submitters, no conflicts (2 of 4 stars). 5 submissions from 4 submitters: Benign (5). Last evaluated 2026-02-02.

Conditions:
Osteogenesis imperfecta (OI). Identifiers: Orphanet 666, MedGen C0029434, MeSH D010013, MONDO:0019019.
Osteogenesis imperfecta type I (OI1). Also called: Lobstein disease; OI, TYPE I; OSTEOGENESIS IMPERFECTA TARDA; OSTEOGENESIS IMPERFECTA WITH BLUE SCLERAE; Classic Non-deforming Osteogenesis Imperfecta with Blue Sclerae; Osteogenesis imperfecta type 1. Identifiers: Orphanet 216796, Orphanet 666, MedGen C0023931, MONDO:0008146, OMIM 166200. Disease mechanism: loss of function.
Ehlers-Danlos syndrome, classic type, 1 (EDSCL1). Also called: EHLERS-DANLOS SYNDROME, GRAVIS TYPE; EHLERS-DANLOS SYNDROME, SEVERE CLASSIC TYPE; Ehlers-Danlos Syndrome, Classic Type, COL5A1-Related; EDS I; Ehlers-Danlos syndrome, type 1. Identifiers: MedGen C0268335, MONDO:0019567, OMIM 130000.
Ehlers-Danlos syndrome, arthrochalasia type, 2. Also called: EHLERS-DANLOS SYNDROME, TYPE VIIB, AUTOSOMAL DOMINANT. Identifiers: MedGen CN293783, MONDO:0040501, OMIM 617821.

Allele frequency attached by ClinVar (database versions not stated): 1000 Genomes Project 30x 0.04091; ESP Exome Variant Server 0.03275; gnomAD 0.02877 and 0.03051; gnomAD exomes 0.00825; ExAC 0.00964; TOPMed 0.03303; 1000 Genomes Project 0.03734.
gnomAD v4.1: 9,013 of 1,603,358 alleles (0.56%); highest among the groups gnomAD compares: African/African-American, 10%; 426 homozygotes.

Submissions (5):

Labcorp Genetics (formerly Invitae), Labcorp
Classification: Benign for Osteogenesis imperfecta type I; Ehlers-Danlos syndrome, classic type, 1. Last evaluated: 2026-02-02. Review status: criteria provided, single submitter. Criteria: Invitae Variant Classification Sherloc (09022015). Collection method: clinical testing. Allele origin: germline.

Illumina Laboratory Services, Illumina
Classification: Benign for Osteogenesis imperfecta. Last evaluated: 2018-01-13. Review status: criteria provided, single submitter. Criteria: ICSL Variant Classification Criteria 13 December 2019. Collection method: clinical testing. Allele origin: germline.
Comment: This variant was observed in the ICSL laboratory as part of a predisposition screen in an ostensibly healthy population. It had not been previously curated by ICSL or reported in the Human Gene Mutation Database (HGMD: prior to June 1st, 2018), and was therefore a candidate for classification through an automated scoring system. Utilizing variant allele frequency, disease prevalence and penetrance estimates, and inheritance mode, an automated score was calculated to assess if this variant is too frequent to cause the disease. Based on the score and internal cut-off values, a variant classified as benign is not then subjected to further curation. The score for this variant resulted in a classification of benign for this disease.

Illumina Laboratory Services, Illumina
Classification: Benign for Ehlers-Danlos syndrome, arthrochalasia type, 2. Last evaluated: 2018-01-13. Review status: criteria provided, single submitter. Criteria: ICSL Variant Classification Criteria 13 December 2019. Collection method: clinical testing. Allele origin: germline.
Comment: the same text as in the submission from Illumina Laboratory Services, Illumina above.

Athena Diagnostics
Classification: Benign. Last evaluated: 2017-08-23. Review status: criteria provided, single submitter. Criteria: Athena Diagnostics Criteria. Collection method: clinical testing. Allele origin: germline.

GeneDx
Classification: Benign. Last evaluated: 2016-06-06. Review status: criteria provided, single submitter. Criteria: GeneDx Variant Classification (06012015). Collection method: clinical testing. Allele origin: germline. Affected: yes.
Comment: This variant is considered likely benign or benign based on one or more of the following criteria: it is a conservative change, it occurs at a poorly conserved position in the protein, it is predicted to be benign by multiple in silico algorithms, and/or has population frequency not consistent with disease.

NM_000089.4(COL1A2):c.3712-13C>T

Gene: COL1A2 (collagen type I alpha 2 chain; plus strand). Cytogenetic location: 7q21.3.
Variant type: single nucleotide variant.
Coding change: c.3712-13C>T on transcript NM_000089.4 (MANE Select); 13 bases into the intron before coding-DNA position 3712, C replaced by T.
Molecular consequence: intron variant.
Genome position (GRCh38, 1-based): chr7:94,429,175, C>T. VCF-style: chr7-94429175-C-T. GRCh37 (hg19) VCF-style: chr7-94058487-C-T.
Identifiers: ClinVar variation 360971 (VCV000360971.14), dbSNP rs74335369, ClinGen allele CA4347835.